The following is an entry in ClinVar:

ClinVar aggregate classification (germline): Uncertain significance. Review status: criteria provided, multiple submitters, no conflicts (2 of 4 stars). 4 submissions from 3 submitters: Uncertain significance (4). Last evaluated 2023-04-27.

Conditions:
Inborn genetic diseases. Identifiers: MedGen C0950123, MeSH D030342.
Neu-Laxova syndrome 1 (NLS1). Identifiers: Orphanet 2671, Orphanet 583607, MedGen C4551478, MONDO:0009736, OMIM 256520. Disease mechanism: loss of function.
PHGDH deficiency. Identifiers: Orphanet 79351, MedGen C1866174, MONDO:0011152, OMIM 601815.

Allele frequency attached by ClinVar (database versions not stated): gnomAD 0.00001; TOPMed 0.00002; ExAC 0.00004.

Submissions (4):

Ambry Genetics
Classification: Uncertain significance for Inborn genetic diseases. Last evaluated: 2023-04-27. Review status: criteria provided, single submitter. Criteria: Ambry Variant Classification Scheme 2023. Collection method: clinical testing. Allele origin: germline.

Genome-Nilou Lab
Classification: Uncertain significance for Neu-Laxova syndrome 1. Last evaluated: 2023-04-11. Review status: criteria provided, single submitter. Criteria: ACMG Guidelines, 2015. Collection method: clinical testing. Allele origin: germline. Affected: no.

Genome-Nilou Lab
Classification: Uncertain significance for PHGDH deficiency. Last evaluated: 2023-04-11. Review status: criteria provided, single submitter. Criteria: ACMG Guidelines, 2015. Collection method: clinical testing. Allele origin: germline. Affected: no.

Labcorp Genetics (formerly Invitae), Labcorp
Classification: Uncertain significance for PHGDH deficiency. Last evaluated: 2022-06-09. Review status: criteria provided, single submitter. Criteria: Invitae Variant Classification Sherloc (09022015). Collection method: clinical testing. Allele origin: germline.
Comment: This sequence change replaces serine, which is neutral and polar, with glycine, which is neutral and non-polar, at codon 37 of the PHGDH protein (p.Ser37Gly). This variant is present in population databases (rs756952465, gnomAD 0.02%). This variant has not been reported in the literature in individuals affected with PHGDH-related conditions. Algorithms developed to predict the effect of missense changes on protein structure and function (SIFT, PolyPhen-2, Align-GVGD) all suggest that this variant is likely to be tolerated. In summary, the available evidence is currently insufficient to determine the role of this variant in disease. Therefore, it has been classified as a Variant of Uncertain Significance.

NM_006623.4(PHGDH):c.109A>G (p.Ser37Gly)

Gene: PHGDH (phosphoglycerate dehydrogenase; plus strand). Cytogenetic location: 1p12.
Variant type: single nucleotide variant.
Coding change: c.109A>G on transcript NM_006623.4 (MANE Select); coding-DNA position 109, A replaced by G.
Protein change: p.Ser37Gly; replaces serine 37 with glycine.
Molecular consequence: missense variant.
Genome position (GRCh38, 1-based): chr1:119,712,131, A>G. VCF-style: chr1-119712131-A-G. GRCh37 (hg19) VCF-style: chr1-120254754-A-G.
Other names: c.109A>G (NM_006623.3); short protein forms S37G.
Identifiers: ClinVar variation 2076108 (VCV002076108.4), dbSNP rs756952465, ClinGen allele CA1036914.